The following is an entry in ClinVar:

ClinVar aggregate classification (germline): Uncertain significance. Review status: criteria provided, multiple submitters, no conflicts (2 of 4 stars). 2 submissions from 2 submitters: Uncertain significance (2). Last evaluated 2025-02-02.

Conditions:
Hereditary cancer-predisposing syndrome. Also called: Tumor predisposition; Hereditary Cancer Syndrome; Hereditary neoplastic syndrome; Neoplastic Syndromes, Hereditary. Identifiers: Orphanet 140162, MedGen C0027672, MeSH D009386, MONDO:0015356.
POLD1-related polyposis and colorectal cancer syndrome (CRCS10). Also called: Colorectal cancer 10; COLORECTAL CANCER, SUSCEPTIBILITY TO, ON CHROMOSOME 19q; Colorectal cancer, susceptibility to, 10. Identifiers: Orphanet 220460, MedGen C2675481, MONDO:0012953, OMIM 612591.

Allele frequency attached by ClinVar (database versions not stated): gnomAD exomes below 0.00001.
gnomAD v4.1: 1 of 1,608,844 alleles (0.000062%); highest among the groups gnomAD compares: Non-Finnish European, 0.000085%; no homozygotes.

Submissions (2):

Ambry Genetics
Classification: Uncertain significance for Hereditary cancer-predisposing syndrome. Last evaluated: 2025-02-02. Review status: criteria provided, single submitter. Criteria: Ambry Variant Classification Scheme 2023. Collection method: clinical testing. Allele origin: germline.
Comment: The p.K272R variant (also known as c.815A>G), located in coding exon 6 of the POLD1 gene, results from an A to G substitution at nucleotide position 815. The lysine at codon 272 is replaced by arginine, an amino acid with highly similar properties. This amino acid position is conserved. In addition, this alteration is predicted to be tolerated by in silico analysis. Based on the available evidence, the clinical significance of this variant remains unclear.

Labcorp Genetics (formerly Invitae), Labcorp
Classification: Uncertain significance for POLD1-related polyposis and colorectal cancer syndrome. Last evaluated: 2022-08-16. Review status: criteria provided, single submitter. Criteria: Invitae Variant Classification Sherloc (09022015). Collection method: clinical testing. Allele origin: germline.
Comment: This sequence change replaces lysine, which is basic and polar, with arginine, which is basic and polar, at codon 272 of the POLD1 protein (p.Lys272Arg). This variant is not present in population databases (gnomAD no frequency). This variant has not been reported in the literature in individuals affected with POLD1-related conditions. In summary, the available evidence is currently insufficient to determine the role of this variant in disease. Therefore, it has been classified as a Variant of Uncertain Significance. Algorithms developed to predict the effect of missense changes on protein structure and function output the following: SIFT: "Tolerated"; PolyPhen-2: "Benign"; Align-GVGD: "Class C0". The arginine amino acid residue is found in multiple mammalian species, which suggests that this missense change does not adversely affect protein function. ClinVar contains an entry for this variant (Variation ID: 846099).

NM_002691.4(POLD1):c.815A>G (p.Lys272Arg)

Gene: POLD1 (DNA polymerase delta 1, catalytic subunit; plus strand). Cytogenetic location: 19q13.33.
Variant type: single nucleotide variant.
Coding change: c.815A>G on transcript NM_002691.4 (MANE Select); coding-DNA position 815, A replaced by G.
Protein change: p.Lys272Arg; replaces lysine 272 with arginine.
Molecular consequence: missense variant. On other transcripts: non-coding transcript variant (1).
Genome position (GRCh38, 1-based): chr19:50,402,510, A>G. VCF-style: chr19-50402510-A-G. GRCh37 (hg19) VCF-style: chr19-50905767-A-G.
Other names: c.815A>G, p.Lys272Arg (NM_001256849.1, NM_001308632.1); c.815A>G (NM_002691.2); short protein forms K272R.
Identifiers: ClinVar variation 846099 (VCV000846099.10), dbSNP rs2038690465, ClinGen allele CA406975034.